The following is an entry in ClinVar:

NM_005866.4(SIGMAR1):c.247T>C (p.Phe83Leu)

Gene: SIGMAR1 (sigma receptor chaperone 1; minus strand). Cytogenetic location: 9p13.3.
Variant type: single nucleotide variant.
Coding change: c.247T>C on transcript NM_005866.4 (MANE Select); coding-DNA position 247, T replaced by C.
Protein change: p.Phe83Leu; replaces phenylalanine 83 with leucine.
Molecular consequence: missense variant. On other transcripts: 5 prime UTR variant (1).
Genome position (GRCh38, 1-based): chr9:34,637,325, A>G on the plus strand (T>C on the coding strand, the complement: SIGMAR1 is on the minus strand). VCF-style: chr9-34637325-A-G. GRCh37 (hg19) VCF-style: chr9-34637322-A-G.
Other names: c.247T>C, p.Phe83Leu (NM_001282205.2, NM_001282208.2, NM_001282209.2 and 1 more transcripts); c.-7T>C (NM_001282206.2); c.187T>C, p.Phe63Leu (NM_001282207.2); short protein forms F83L, F63L.
Identifiers: ClinVar variation 579502 (VCV000579502.10), dbSNP rs773344340, ClinGen allele CA5035916.

ClinVar aggregate classification (germline): Uncertain significance. Review status: criteria provided, multiple submitters, no conflicts (2 of 4 stars). 2 submissions from 2 submitters: Uncertain significance (2). Last evaluated 2026-07-01.

Conditions:
Autosomal recessive distal spinal muscular atrophy 2. Also called: NEURONOPATHY, DISTAL HEREDITARY MOTOR, JERASH TYPE; NEUROPATHY, DISTAL HEREDITARY MOTOR, JERASH TYPE; SPINAL MUSCULAR ATROPHY, JERASH TYPE; NEUROPATHY, DISTAL HEREDITARY MOTOR, AUTOSOMAL RECESSIVE 2; Hereditary motor neuropathy, Jerash type; Motor neuropathy, distal, Jerash type. Identifiers: Orphanet 139552, MedGen C1854023, MONDO:0011585, OMIM 605726.
Amyotrophic lateral sclerosis type 16. Also called: AMYOTROPHIC LATERAL SCLEROSIS 16, JUVENILE. Identifiers: Orphanet 300605, MedGen C3280587, MONDO:0013715, OMIM 614373.

Allele frequency attached by ClinVar (database versions not stated): TOPMed below 0.00001; gnomAD 0.00001; gnomAD exomes 0.00001 and 0.00002; ExAC 0.00003.
gnomAD v4.1: 26 of 1,603,242 alleles (0.0016%); highest among the groups gnomAD compares: Non-Finnish European, 0.0022%; no homozygotes.

Submissions (2):

CeGaT Center for Human Genetics Tuebingen
Classification: Uncertain significance. Last evaluated: 2026-07-01. Review status: criteria provided, single submitter. Criteria: CeGaT Center For Human Genetics Tuebingen Variant Classification Criteria Version 2. Collection method: clinical testing. Allele origin: germline. Affected: yes. Observed: 1 variant allele.
Comment: SIGMAR1: PM2, BP4

Labcorp Genetics (formerly Invitae), Labcorp
Classification: Uncertain significance for Autosomal recessive distal spinal muscular atrophy 2; Amyotrophic lateral sclerosis type 16. Last evaluated: 2022-06-03. Review status: criteria provided, single submitter. Criteria: Invitae Variant Classification Sherloc (09022015). Collection method: clinical testing. Allele origin: germline.
Comment: This sequence change replaces phenylalanine, which is neutral and non-polar, with leucine, which is neutral and non-polar, at codon 83 of the SIGMAR1 protein (p.Phe83Leu). This variant is present in population databases (rs773344340, gnomAD 0.004%). This missense change has been observed in individual(s) with clinical features of SIGMAR1-related conditions (Invitae). ClinVar contains an entry for this variant (Variation ID: 579502). Algorithms developed to predict the effect of missense changes on protein structure and function are either unavailable or do not agree on the potential impact of this missense change (SIFT: "Deleterious"; PolyPhen-2: "Probably Damaging"; Align-GVGD: "Class C15"). In summary, the available evidence is currently insufficient to determine the role of this variant in disease. Therefore, it has been classified as a Variant of Uncertain Significance.